The following is an entry in ClinVar:

NM_001394062.1(MACF1):c.20911C>A (p.Gln6971Lys)

Gene: MACF1 (microtubule actin crosslinking factor 1; plus strand). Cytogenetic location: 1p34.3.
Variant type: single nucleotide variant.
Coding change: c.20911C>A on transcript NM_001394062.1 (MANE Select); coding-DNA position 20911, C replaced by A.
Protein change: p.Gln6971Lys; replaces glutamine 6971 with lysine.
Molecular consequence: missense variant.
Genome position (GRCh38, 1-based): chr1:39,454,933, C>A. VCF-style: chr1-39454933-C-A. GRCh37 (hg19) VCF-style: chr1-39920605-C-A.
Other names: c.8989C>A, p.Gln2997Lys (NM_001397473.1); c.14734C>A, p.Gln4912Lys (NM_012090.5); short protein forms Q2997K, Q4912K, Q6971K.
Identifiers: ClinVar variation 2573919 (VCV002573919.1), dbSNP rs2523282310, ClinGen allele CA339765453.

ClinVar aggregate classification (germline): Uncertain significance (1 of 4 stars; one submission).

Submission:

GeneDx
Classification: Uncertain significance. Last evaluated: 2023-07-21. Review status: criteria provided, single submitter. Criteria: GeneDx Variant Classification Process June 2021. Collection method: clinical testing. Allele origin: germline. Affected: yes.
Comment: Not observed at significant frequency in large population cohorts (gnomAD); In silico analysis supports that this missense variant has a deleterious effect on protein structure/function; Has not been previously published as pathogenic or benign to our knowledge